The following is an entry in ClinVar:

NM_198252.3(GSN):c.1879C>T (p.Arg627Cys)

Gene: GSN (gelsolin; plus strand). Cytogenetic location: 9q33.2.
Variant type: single nucleotide variant.
Coding change: c.1879C>T on transcript NM_198252.3 (MANE Select); coding-DNA position 1879, C replaced by T.
Protein change: p.Arg627Cys; replaces arginine 627 with cysteine.
Molecular consequence: missense variant.
Genome position (GRCh38, 1-based): chr9:121,329,007, C>T. VCF-style: chr9-121329007-C-T. GRCh37 (hg19) VCF-style: chr9-124091285-C-T.
Other names: c.1879C>T, p.Arg627Cys (NM_001353062.1, NM_001127662.2, NM_001127664.2 and 10 more transcripts); c.1912C>T, p.Arg638Cys (NM_001353063.2, NM_001353064.2, NM_001353065.2 and 13 more transcripts); c.1951C>T, p.Arg651Cys (NM_001353076.2); c.1225C>T, p.Arg409Cys (NM_001353078.2); c.2032C>T, p.Arg678Cys (NM_000177.5); c.1987C>T, p.Arg663Cys (NM_001127663.2); c.1930C>T, p.Arg644Cys (NM_001258029.2); c.1903C>T, p.Arg635Cys (NM_001258030.2); short protein forms R409C, R638C, R663C, R678C, R635C, R627C, R644C, R651C.
Identifiers: ClinVar variation 1511106 (VCV001511106.8), dbSNP rs371328761, ClinGen allele CA5221439.
Genomic context (GRCh38, chr9:121,329,007, plus strand): 5'-AAGGACAAGAAGATGGATGCCCATCCTCCTCGCCTCTTTGCCTGCTCCAACAAGATTGGA[C>T]GTTTTGTGGTGAGCCCCTGCGGAGGTCACACCTCTGCTTTCCCCTCGGGAGGCGAGTTCC-3'
Protein context (NP_937895.1, residues 617-637): RLFACSNKIG[Arg627Cys]FVIEEVPGEL

ClinVar aggregate classification (germline): Uncertain significance (1 of 4 stars; one submission).

Allele frequency attached by ClinVar (database versions not stated): TOPMed 0.00001; ExAC 0.00003; gnomAD exomes 0.00004; ESP Exome Variant Server 0.00008.

Submission:

Labcorp Genetics (formerly Invitae), Labcorp
Classification: Uncertain significance. Last evaluated: 2021-04-29. Review status: criteria provided, single submitter. Criteria: Invitae Variant Classification Sherloc (09022015). Collection method: clinical testing. Allele origin: germline.
Comment: This sequence change replaces arginine with cysteine at codon 678 of the GSN protein (p.Arg678Cys). The arginine residue is moderately conserved and there is a large physicochemical difference between arginine and cysteine. This variant is present in population databases (rs371328761, ExAC 0.02%). This variant has not been reported in the literature in individuals with GSN-related conditions. Algorithms developed to predict the effect of missense changes on protein structure and function are either unavailable or do not agree on the potential impact of this missense change (SIFT: "Tolerated"; PolyPhen-2: "Possibly Damaging"; Align-GVGD: "Class C0"). In summary, the available evidence is currently insufficient to determine the role of this variant in disease. Therefore, it has been classified as a Variant of Uncertain Significance.